The following is an entry in ClinVar:

ClinVar aggregate classification (germline): Likely benign (1 of 4 stars; one submission).

gnomAD v4.1: 27 of 1,611,630 alleles (0.0017%); highest among the groups gnomAD compares: South Asian, 0.023%; no homozygotes.

Submission:

CeGaT Center for Human Genetics Tuebingen
Classification: Likely benign. Last evaluated: 2025-06-01. Review status: criteria provided, single submitter. Criteria: CeGaT Center For Human Genetics Tuebingen Variant Classification Criteria Version 2. Collection method: clinical testing. Allele origin: germline. Affected: yes. Observed: 1 variant allele.
Comment: ANAPC5: BP4, BP7

NM_016237.5(ANAPC5):c.924C>T (p.Ala308=)

Gene: ANAPC5 (anaphase promoting complex subunit 5; minus strand). Cytogenetic location: 12q24.31.
Variant type: single nucleotide variant.
Coding change: c.924C>T on transcript NM_016237.5 (MANE Select); coding-DNA position 924, C replaced by T.
Protein change: p.Ala308=; no amino-acid change (alanine 308 retained).
Molecular consequence: synonymous variant.
Genome position (GRCh38, 1-based): chr12:121,335,559, G>A on the plus strand (C>T on the coding strand, the complement: ANAPC5 is on the minus strand). VCF-style: chr12-121335559-G-A. GRCh37 (hg19) VCF-style: chr12-121773362-G-A.
Other names: c.627C>T, p.Ala209= (NM_001137559.1); c.924C>T, p.Ala308= (NM_001330489.2).
Identifiers: ClinVar variation 4083941 (VCV004083941.8).
Genomic context (GRCh38, chr12:121,335,559, plus strand): 5'-CAATTTGCGCAAGGACAAAGGTCTATAAACTTACTAGTGACCGAAGCGGCAGTGCAGGGC[G>A]GCAAGATTCAGAGCGGCGTATCTCAAGCTCCGGCCATAGCCCTCTTCCCCATTACTTTTG-3'
Protein context (NP_057321.2, residues 298-318): RSLRYAALNL[Ala308=]ALHCRFGHYQ